The following is an entry in ClinVar:

NM_001308093.3(GATA4):c.269G>C (p.Ser90Thr)

Gene: GATA4 (GATA binding protein 4). Cytogenetic location: 8p23.1.
Variant type: single nucleotide variant.
Coding change: c.269G>C on transcript NM_001308093.3 (MANE Select); coding-DNA position 269, G replaced by C.
Protein change: p.Ser90Thr; replaces serine 90 with threonine.
Molecular consequence: missense variant. On other transcripts: intron variant (3).
Genome position (GRCh38, 1-based): chr8:11,708,581, G>C. VCF-style: chr8-11708581-G-C. GRCh37 (hg19) VCF-style: chr8-11566090-G-C.
Other names: c.269G>C, p.Ser90Thr (NM_002052.5); c.-6+7803G>C (NM_001308094.2); c.-3+567G>C (NM_001374274.1); c.-3+4277G>C (NM_001374273.1); short protein forms S90T.
Identifiers: ClinVar variation 1311726 (VCV001311726.7), dbSNP rs925893907, ClinGen allele CA172074724.

ClinVar aggregate classification (germline): Uncertain significance. Review status: criteria provided, multiple submitters, no conflicts (2 of 4 stars). 2 submissions from 2 submitters: Uncertain significance (2). Last evaluated 2023-12-30.

Conditions:
Atrioventricular septal defect 4 (AVSD4). Identifiers: MedGen C3280781, MONDO:0013747, OMIM 614430.

Allele frequency attached by ClinVar (database versions not stated): gnomAD 0.00001; TOPMed 0.00001.

Submissions (2):

Labcorp Genetics (formerly Invitae), Labcorp
Classification: Uncertain significance for Atrioventricular septal defect 4. Last evaluated: 2023-12-30. Review status: criteria provided, single submitter. Criteria: Invitae Variant Classification Sherloc (09022015). Collection method: clinical testing. Allele origin: germline.
Comment: This sequence change replaces serine, which is neutral and polar, with threonine, which is neutral and polar, at codon 90 of the GATA4 protein (p.Ser90Thr). This variant is present in population databases (no rsID available, gnomAD 0.007%). This variant has not been reported in the literature in individuals affected with GATA4-related conditions. ClinVar contains an entry for this variant (Variation ID: 1311726). Advanced modeling of protein sequence and biophysical properties (such as structural, functional, and spatial information, amino acid conservation, physicochemical variation, residue mobility, and thermodynamic stability) performed at Invitae indicates that this missense variant is not expected to disrupt GATA4 protein function with a negative predictive value of 80%. In summary, the available evidence is currently insufficient to determine the role of this variant in disease. Therefore, it has been classified as a Variant of Uncertain Significance.

GeneDx
Classification: Uncertain significance. Last evaluated: 2021-05-06. Review status: criteria provided, single submitter. Criteria: GeneDx Variant Classification Process June 2021. Collection method: clinical testing. Allele origin: germline. Affected: yes.
Comment: Has not been previously published as pathogenic or benign to our knowledge; Not observed at a significant frequency in large population cohorts (Lek et al., 2016); In silico analysis, which includes protein predictors and evolutionary conservation, supports that this variant does not alter protein structure/function